The following is an entry in ClinVar:

NM_000062.3(SERPING1):c.1249+1G>A

Gene: SERPING1 (serpin family G member 1; plus strand). Cytogenetic location: 11q12.1.
Variant type: single nucleotide variant.
Coding change: c.1249+1G>A on transcript NM_000062.3 (MANE Select); the canonical splice donor site of the intron after coding-DNA position 1249, G replaced by A.
Molecular consequence: splice donor variant.
Genome position (GRCh38, 1-based): chr11:57,611,937, G>A. VCF-style: chr11-57611937-G-A. GRCh37 (hg19) VCF-style: chr11-57379410-G-A.
Other names: c.1249+1G>A (NM_001032295.2).
Identifiers: ClinVar variation 3256120 (VCV003256120.2), dbSNP rs112565881.

ClinVar aggregate classification (germline): Pathogenic (1 of 4 stars; one submission).

Conditions:
Hereditary angioedema type 1 (HAE1). Identifiers: Orphanet 100050, Orphanet 100051, Orphanet 91378, MedGen C2717906, MONDO:0015053, OMIM 106100.

Submission:

DNA-diagnostics Laboratory, Research Centre For Medical Genetics
Classification: Pathogenic for Hereditary angioedema type 1. Last evaluated: 2024-07-27. Review status: criteria provided, single submitter. Criteria: ACMG Guidelines, 2015. Collection method: research. Allele origin: germline. Inheritance: Autosomal dominant inheritance. Affected: yes. Observed: 2 variant alleles, 2 heterozygotes. Clinical features observed: Angioedema (HP:0100665), C1 esterase inhibitor deficiency.
Comment: According to our observation and published information (Gösswein et al., 2008, Jindal et al., 2020) the c.1249+1G>A variant in SERPING1 meets ACMG/ClinGen SVI guidance criteria to be classified as pathogenic: PVS1_Str, PP4_Str, PS4_Mod, PM2_Sup, PP1

Literature cited by the submitters: PubMed 18758157; PubMed 33220126.